The following is an entry in ClinVar:

NM_000053.4(ATP7B):c.[524_525del;778dup]

Variant type: Haplotype.
Identifiers: ClinVar variation 4540622 (VCV004540622.1).

ClinVar aggregate classification (germline): Pathogenic (1 of 4 stars; one submission).

Conditions:
Wilson disease (WND). Also called: Wilson's disease. Identifiers: Orphanet 905, MedGen C0019202, MONDO:0010200, OMIM 277900. Disease mechanism: loss of function.

Submission:

Lildballe Lab, Aarhus University Hospital
Classification: Pathogenic for Wilson disease. Last evaluated: 2024-08-29. Review status: criteria provided, single submitter. Criteria: ACMG Guidelines, 2015. Collection method: clinical testing. Allele origin: germline. Affected: yes.
Comment: PM3, PVS1, PM2